The following is an entry in ClinVar:

NM_000051.4(ATM):c.5764C>A (p.Pro1922Thr)

Genes: ATM (ATM serine/threonine kinase; plus strand), C11orf65 (chromosome 11 open reading frame 65; minus strand). Cytogenetic location: 11q22.3.
Variant type: single nucleotide variant.
Coding change: c.5764C>A on transcript NM_000051.4 (MANE Select); coding-DNA position 5764, C replaced by A.
Protein change: p.Pro1922Thr; replaces proline 1922 with threonine.
Molecular consequence: missense variant. On other transcripts: intron variant (2).
Genome position (GRCh38, 1-based): chr11:108,310,161, C>A. VCF-style: chr11-108310161-C-A. GRCh37 (hg19) VCF-style: chr11-108180888-C-A.
Other names: c.5764C>A, p.Pro1922Thr (NM_001351834.2); c.641-1090G>T (NM_001330368.2); c.*39-1090G>T (NM_001351110.2); short protein forms P1922T.
Identifiers: ClinVar variation 1472532 (VCV001472532.11), dbSNP rs587781865, ClinGen allele CA382548277.

ClinVar aggregate classification (germline): Uncertain significance. Review status: criteria provided, multiple submitters, no conflicts (2 of 4 stars). 2 submissions from 2 submitters: Uncertain significance (2). Last evaluated 2025-03-14.

Conditions:
Ataxia-telangiectasia syndrome (AT). Also called: LOUIS-BAR SYNDROME; Cerebello-oculocutaneous telangiectasia; Immunodeficiency with ataxia telangiectasia; Ataxia telangiectasia (A-T); Ataxia-telangiectasia, complementation group D; AT, COMPLEMENTATION GROUP C. Identifiers: Orphanet 100, MedGen C0004135, MONDO:0008840, OMIM 208900.
Hereditary cancer-predisposing syndrome. Also called: Neoplastic Syndromes, Hereditary; Tumor predisposition; Hereditary Cancer Syndrome; Hereditary neoplastic syndrome. Identifiers: Orphanet 140162, MedGen C0027672, MeSH D009386, MONDO:0015356.

gnomAD v4.1: 1 of 1,612,798 alleles (0.000062%); highest among the groups gnomAD compares: Non-Finnish European, 0.000085%; no homozygotes.

Submissions (2):

Ambry Genetics
Classification: Uncertain significance for Hereditary cancer-predisposing syndrome. Last evaluated: 2025-03-14. Review status: criteria provided, single submitter. Criteria: Ambry Variant Classification Scheme 2023. Collection method: clinical testing. Allele origin: germline.
Comment: The p.P1922T variant (also known as c.5764C>A), located in coding exon 38 of the ATM gene, results from a C to A substitution at nucleotide position 5764. The proline at codon 1922 is replaced by threonine, an amino acid with highly similar properties. This amino acid position is not well conserved in available vertebrate species. In addition, this alteration is predicted to be tolerated by in silico analysis. Based on the available evidence, the clinical significance of this variant remains unclear.

Labcorp Genetics (formerly Invitae), Labcorp
Classification: Uncertain significance for Ataxia-telangiectasia syndrome. Last evaluated: 2021-05-27. Review status: criteria provided, single submitter. Criteria: Invitae Variant Classification Sherloc (09022015). Collection method: clinical testing. Allele origin: germline.
Comment: This variant has not been reported in the literature in individuals with ATM-related conditions. In summary, the available evidence is currently insufficient to determine the role of this variant in disease. Therefore, it has been classified as a Variant of Uncertain Significance. Algorithms developed to predict the effect of missense changes on protein structure and function (SIFT, PolyPhen-2, Align-GVGD) all suggest that this variant is likely to be tolerated, but these predictions have not been confirmed by published functional studies and their clinical significance is uncertain. This variant is not present in population databases (ExAC no frequency). This sequence change replaces proline with threonine at codon 1922 of the ATM protein (p.Pro1922Thr). The proline residue is moderately conserved and there is a small physicochemical difference between proline and threonine.